The following is an entry in ClinVar:

ClinVar aggregate classification (germline): Pathogenic/Likely pathogenic. Review status: criteria provided, multiple submitters, no conflicts (2 of 4 stars). 3 submissions from 3 submitters: Pathogenic (1); Likely pathogenic (2). Last evaluated 2025-05-28.

Conditions:
SCN8A-related disorder.
Seizures, benign familial infantile, 5 (BFIS5). Also called: CONVULSIONS, BENIGN FAMILIAL INFANTILE, 5. Identifiers: Orphanet 306, MedGen C4310728, MONDO:0014903, OMIM 617080.
Developmental and epileptic encephalopathy, 13 (DEE13). Also called: SCN8A-Related Epilepsy; Developmental and Epileptic Encephalopathy (SCN8A-DEE); Early infantile epileptic encephalopathy 13. Identifiers: Orphanet 442835, MedGen C3281191, MONDO:0013801, OMIM 614558.
Early-infantile DEE. Also called: Early infantile epileptic encephalopathy; Early infantile epileptic encephalopathy with suppression bursts; Ohtahara syndrome. Identifiers: Orphanet 1934, MedGen C0393706, MONDO:0800491.

Submissions (3):

3billion
Classification: Likely pathogenic for SCN8A-related disorder. Last evaluated: 2025-05-28. Review status: criteria provided, single submitter. Criteria: ACMG Guidelines, 2015. Collection method: clinical testing. Allele origin: germline. Affected: yes.
Comment: The variant is not observed in the gnomAD v4.1.0 dataset. Predicted Consequence/Location: Missense variant In silico tool predictions suggest damaging effect of the variant on gene or gene product [REVEL: 0.90 (>=0.6, sensitivity 0.68 and specificity 0.92); 3Cnet: 0.98 (> 0.75, sensitivity 0.96 and precision 0.92)]. The same nucleotide change resulting in the same amino acid change has been previously reported as pathogenic/likely pathogenic with strong evidence (ClinVar ID: VCV000642701 /PMID: 36563179). Different missense changes at the same codon (p.Val1315Leu, p.Val1315Met) have been reported as pathogenic/likely pathogenic with strong evidence (ClinVar ID: VCV000432948, VCV001068482 /PMID: 26993267). Therefore, this variant is classified as Likely pathogenic according to the recommendation of ACMG/AMP guideline.

Labcorp Genetics (formerly Invitae), Labcorp
Classification: Pathogenic for Early-infantile DEE. Last evaluated: 2022-11-08. Review status: criteria provided, single submitter. Criteria: Invitae Variant Classification Sherloc (09022015). Collection method: clinical testing. Allele origin: germline.
Comment: This variant disrupts the p.Val1315 amino acid residue in SCN8A. Other variant(s) that disrupt this residue have been determined to be pathogenic (PMID: 26993267, 29432985). This suggests that this residue is clinically significant, and that variants that disrupt this residue are likely to be disease-causing. For these reasons, this variant has been classified as Pathogenic. Algorithms developed to predict the effect of missense changes on protein structure and function are either unavailable or do not agree on the potential impact of this missense change (SIFT: "Deleterious"; PolyPhen-2: "Probably Damaging"; Align-GVGD: "Class C0"). ClinVar contains an entry for this variant (Variation ID: 642701). This missense change has been observed in individual(s) with clinical features of early infantile epileptic encephalopathy (Invitae). In at least one individual the variant was observed to be de novo. This variant is not present in population databases (gnomAD no frequency). This sequence change replaces valine, which is neutral and non-polar, with alanine, which is neutral and non-polar, at codon 1315 of the SCN8A protein (p.Val1315Ala).

New York Genome Center
Classification: Likely pathogenic for Developmental and epileptic encephalopathy, 13; Seizures, benign familial infantile, 5. Last evaluated: 2019-11-14. Review status: criteria provided, single submitter. Criteria: NYGC Assertion Criteria 2020. Collection method: clinical testing. Allele origin: de novo. Affected: yes. Observed: 1 heterozygote, 1 mosaic individual. Study: CSER-NYCKidSeq.
Comment: The c.3944T>C variant substitutes a completely conserved Valine for Alanine at amino acid 1315/1981 (coding exon 22/27). This variant is absent from gnomAD and ExAC, suggesting it is not a common benign variant in the populations represented in these databases. In silico algorithms predict this variant to be Deleterious (Provean; score: -3.59) and Damaging (SIFT; score: 0.003)to the function of the canonical transcript. This variant is reported in ClinVar as a variant of Uncertain Significance (VarID:642701), and while the p.Val1315Ala variant identified in this individual has not been reported in affected individuals in the literature, a different amino acid change at the same amino acid (p.Val1315Met) has been identified in 3 affected individuals, although functional studies have not been reported (Seizure. 2018 Mar;56:47-49; Epilepsia. 2019 May;60(5):845-856; J Med Genet. 2016 May;53(5):310-317).

Literature cited by the submitters: PubMed 26993267 (cited by 3billion and Labcorp Genetics (formerly Invitae), Labcorp); PubMed 36563179 (cited by 3billion); PubMed 29432985 (cited by Labcorp Genetics (formerly Invitae), Labcorp).

NM_001330260.2(SCN8A):c.3944T>C (p.Val1315Ala)

Gene: SCN8A (sodium voltage-gated channel alpha subunit 8; plus strand). Cytogenetic location: 12q13.13.
Variant type: single nucleotide variant.
Coding change: c.3944T>C on transcript NM_001330260.2 (MANE Select); coding-DNA position 3944, T replaced by C.
Protein change: p.Val1315Ala; replaces valine 1315 with alanine.
Molecular consequence: missense variant.
Genome position (GRCh38, 1-based): chr12:51,786,543, T>C. VCF-style: chr12-51786543-T-C. GRCh37 (hg19) VCF-style: chr12-52180327-T-C.
Other names: c.3821T>C, p.Val1274Ala (NM_001177984.3, NM_001369788.1); c.3944T>C, p.Val1315Ala (NM_014191.4); short protein forms V1315A, V1274A.
Identifiers: ClinVar variation 642701 (VCV000642701.13), dbSNP rs1592162415, ClinGen allele CA384904277.